The following is an entry in ClinVar:

NM_000059.4(BRCA2):c.9753G>T (p.Lys3251Asn)

Gene: BRCA2 (BRCA2 DNA repair associated; plus strand). Cytogenetic location: 13q13.1.
Variant type: single nucleotide variant.
Coding change: c.9753G>T on transcript NM_000059.4 (MANE Select); coding-DNA position 9753, G replaced by T.
Protein change: p.Lys3251Asn; replaces lysine 3251 with asparagine.
Molecular consequence: missense variant.
Genome position (GRCh38, 1-based): chr13:32,398,266, G>T. VCF-style: chr13-32398266-G-T. GRCh37 (hg19) VCF-style: chr13-32972403-G-T.
Other names: p.K3251N:AAG>AAT; short protein forms K3251N.
Identifiers: ClinVar variation 182268 (VCV000182268.20), dbSNP rs730881576, ClinGen allele CA026291.

ClinVar aggregate classification (germline): Conflicting classifications of pathogenicity. Review status: criteria provided, conflicting classifications (1 of 4 stars). 6 submissions from 6 submitters: Uncertain significance (5); Likely benign (1). Last evaluated 2025-08-03.

Conditions:
BRCA2-related cancer predisposition. Identifiers: MedGen CN377758, MONDO:0700269.
Hereditary cancer-predisposing syndrome. Also called: Tumor predisposition; Hereditary Cancer Syndrome; Hereditary neoplastic syndrome; Neoplastic Syndromes, Hereditary. Identifiers: Orphanet 140162, MedGen C0027672, MeSH D009386, MONDO:0015356.
Hereditary breast ovarian cancer syndrome. Also called: Breast and ovarian cancer; Hereditary breast and ovarian cancer syndrome; Hereditary breast and ovarian cancer; BRCA1- and BRCA2-Associated Hereditary Breast and Ovarian Cancer; Hereditary breast and ovarian cancer syndrome (HBOC); Hereditary breast and/or ovarian cancer syndrome. Identifiers: Orphanet 145, MedGen C0677776, MeSH D061325, MONDO:0003582. Disease mechanism: loss of function.
Breast-ovarian cancer, familial, susceptibility to, 2 (BROVCA2). Also called: BRCA2 Hereditary Breast and Ovarian Cancer. Identifiers: Orphanet 145, MedGen C2675520, MONDO:0012933, OMIM 612555. Disease mechanism: loss of function.

Allele frequency attached by ClinVar (database versions not stated): gnomAD 0.00001; TOPMed 0.00002.
gnomAD v4.1: 1 of 1,614,000 alleles (0.000062%); highest among the groups gnomAD compares: African/African-American, 0.0013%; no homozygotes.

Submissions (6):

Ambry Genetics
Classification: Uncertain significance for Hereditary cancer-predisposing syndrome. Last evaluated: 2025-08-03. Review status: criteria provided, single submitter. Criteria: Ambry Variant Classification Scheme 2023. Collection method: clinical testing. Allele origin: germline.
Comment: The p.K3251N variant (also known as c.9753G>T), located in coding exon 26 of the BRCA2 gene, results from a G to T substitution at nucleotide position 9753. The lysine at codon 3251 is replaced by asparagine, an amino acid with similar properties. This amino acid position is not well conserved in available vertebrate species. In addition, this alteration is predicted to be tolerated by in silico analysis. Since supporting evidence is limited at this time, the clinical significance of this alteration remains unclear.

Labcorp Genetics (formerly Invitae), Labcorp
Classification: Uncertain significance for Hereditary breast ovarian cancer syndrome. Last evaluated: 2025-04-02. Review status: criteria provided, single submitter. Criteria: Invitae Variant Classification Sherloc (09022015). Collection method: clinical testing. Allele origin: germline.
Comment: This sequence change replaces lysine, which is basic and polar, with asparagine, which is neutral and polar, at codon 3251 of the BRCA2 protein (p.Lys3251Asn). This variant is not present in population databases (gnomAD no frequency). This variant has not been reported in the literature in individuals affected with BRCA2-related conditions. ClinVar contains an entry for this variant (Variation ID: 182268). Invitae Evidence Modeling of protein sequence and biophysical properties (such as structural, functional, and spatial information, amino acid conservation, physicochemical variation, residue mobility, and thermodynamic stability) indicates that this missense variant is not expected to disrupt BRCA2 protein function with a negative predictive value of 95%. In summary, the available evidence is currently insufficient to determine the role of this variant in disease. Therefore, it has been classified as a Variant of Uncertain Significance.

Myriad Genetics, Inc.
Classification: Likely benign for Breast-ovarian cancer, familial, susceptibility to, 2. Last evaluated: 2025-03-14. Review status: criteria provided, single submitter. Criteria: Myriad Autosomal Dominant, Autosomal Recessive and X-Linked Classification Criteria (2023). Collection method: clinical testing. Allele origin: unknown.
Comment: This variant is considered likely benign. This variant is strongly associated with less severe personal and family histories of cancer, typical for individuals without pathogenic variants in this gene [PMID: 25085752].

All of Us Research Program, National Institutes of Health
Classification: Uncertain significance for BRCA2-related cancer predisposition. Last evaluated: 2024-03-24. Review status: criteria provided, single submitter. Criteria: ACMG Guidelines, 2015. Collection method: clinical testing. Allele origin: germline. Inheritance: Autosomal dominant inheritance. Observed: 1 variant allele, 1 heterozygote.
Comment: This missense variant replaces lysine with asparagine at codon 3251 of the BRCA2 protein. Computational prediction suggests that this variant may not impact protein structure and function (internally defined REVEL score threshold <= 0.5, PMID: 27666373). Splice site prediction tools suggest that this variant may not impact RNA splicing. To our knowledge, functional studies have not been performed for this variant. This variant has not been reported in individuals affected with hereditary cancer in the literature. This variant has not been identified in the general population by the Genome Aggregation Database (gnomAD). The available evidence is insufficient to determine the role of this variant in disease conclusively. Therefore, this variant is classified as a Variant of Uncertain Significance.

This study involves interpretation of variants in research participants for the purpose of population health screening. Participant phenotype was not available at the time of variant classification. Additional details can be found in publication PMID: 35346344, PMCID: PMC8962531

Color Diagnostics, LLC DBA Color Health
Classification: Uncertain significance for Hereditary cancer-predisposing syndrome. Last evaluated: 2024-02-15. Review status: criteria provided, single submitter. Criteria: ACMG Guidelines, 2015. Collection method: clinical testing. Allele origin: germline.
Comment: This missense variant replaces lysine with asparagine at codon 3251 of the BRCA2 protein. Computational prediction suggests that this variant may not impact protein structure and function. To our knowledge, functional studies have not been reported for this variant. This variant has not been reported in individuals affected with BRCA2-related disorders in the literature. This variant has not been identified in the general population by the Genome Aggregation Database (gnomAD). The available evidence is insufficient to determine the role of this variant in disease conclusively. Therefore, this variant is classified as a Variant of Uncertain Significance.

GeneDx
Classification: Uncertain significance. Last evaluated: 2021-08-18. Review status: criteria provided, single submitter. Criteria: GeneDx Variant Classification Process June 2021. Collection method: clinical testing. Allele origin: germline. Affected: yes.
Comment: Not observed at significant frequency in large population cohorts (Lek 2016); In silico analysis supports that this missense variant does not alter protein structure/function; Has not been previously published as pathogenic or benign to our knowledge; Also known as 9981G>T

Literature cited by the submitters: PubMed 25085752 (cited by Myriad Genetics, Inc.).